The following is an entry in ClinVar:

NM_003070.5(SMARCA2):c.112G>T (p.Gly38Cys)

Gene: SMARCA2 (SWI/SNF related BAF chromatin remodeling complex subunit ATPase 2; plus strand). Cytogenetic location: 9p24.3.
Variant type: single nucleotide variant.
Coding change: c.112G>T on transcript NM_003070.5 (MANE Select); coding-DNA position 112, G replaced by T.
Protein change: p.Gly38Cys; replaces glycine 38 with cysteine.
Molecular consequence: missense variant.
Genome position (GRCh38, 1-based): chr9:2,029,134, G>T. VCF-style: chr9-2029134-G-T. GRCh37 (hg19) VCF-style: chr9-2029134-G-T.
Other names: c.112G>T, p.Gly38Cys (NM_001289396.2, NM_001289397.2, NM_139045.4); short protein forms G38C.
Identifiers: ClinVar variation 4279675 (VCV004279675.1).

ClinVar aggregate classification (germline): Uncertain significance (1 of 4 stars; one submission).

Conditions:
Nicolaides-Baraitser syndrome (NCBRS). Also called: Intellectual disability-sparse hair-brachydactyly syndrome; SMARCA2-Related Nicolaides-Baraitser Syndrome. Identifiers: Orphanet 3051, MedGen C1303073, MONDO:0011053, OMIM 601358.

gnomAD v4.1: 2 of 1,611,550 alleles (0.00012%); highest among the groups gnomAD compares: Non-Finnish European, 0.00017%; no homozygotes.

Submission:

Daryl Scott Lab, Baylor College of Medicine
Classification: Uncertain significance for Nicolaides-Baraitser syndrome. Review status: criteria provided, single submitter. Criteria: ACMG Guidelines, 2015. Collection method: clinical testing. Allele origin: maternal. Affected: yes. Observed: 1 heterozygote.
Comment: PP3